The following is an entry in ClinVar:

NM_001271.4(CHD2):c.879_883del (p.Ser293fs)

Gene: CHD2 (chromodomain helicase DNA binding protein 2; plus strand). Cytogenetic location: 15q26.1.
Variant type: Deletion.
Coding change: c.879_883del on transcript NM_001271.4 (MANE Select); coding-DNA positions 879 to 883, 5 bases deleted (TGGTG; older notation c.879_883delTGGTG).
Protein change: p.Ser293fs; shifts the reading frame from serine 293.
Molecular consequence: frameshift variant.
Genome position (GRCh38, 1-based): chr15:92,942,895-92,942,899, TGGTG deleted; deleting any 5 consecutive bases within chr15:92,942,894-92,942,899 gives the same sequence; the c. name uses the placement nearest the transcript's 3' end. VCF-style (leftmost placement, unchanged base first): chr15-92942893-AGTGGT-A. GRCh37 (hg19) VCF-style: chr15-93486123-AGTGGT-A.
Other names: c.879_883del, p.Ser293fs (NM_001042572.3); short protein forms S293fs.
Identifiers: ClinVar variation 411852 (VCV000411852.7), dbSNP rs1060503517, ClinGen allele CA16614986.

ClinVar aggregate classification (germline): Pathogenic (1 of 4 stars; one submission).

Conditions:
Developmental and epileptic encephalopathy 94 (DEE94). Also called: Epileptic encephalopathy, childhood-onset; CHD2-Related Neurodevelopmental Disorders. Identifiers: Orphanet 1942, Orphanet 2382, MedGen C3809278, MONDO:0014150, OMIM 615369.

Submission:

Labcorp Genetics (formerly Invitae), Labcorp
Classification: Pathogenic for Developmental and epileptic encephalopathy 94. Last evaluated: 2016-09-26. Review status: criteria provided, single submitter. Criteria: Invitae Variant Classification Sherloc (09022015). Collection method: clinical testing. Allele origin: germline.
Comment: For these reasons, this variant has been classified as Pathogenic. While this particular variant has not been reported in the literature, truncating variants in CHD2are known to be pathogenic (PMID: 24207121). This sequence change deletes 5 nucleotides from exon 9 of the CHD2 mRNA (c.879_883delTGGTG), causing a frameshift at codon 293. This creates a premature translational stop signal (p.Ser293Argfs*3) and is expected to result in an absent or disrupted protein product.

Literature cited by the submitters: PubMed 24207121.